The following is an entry in ClinVar:

ClinVar aggregate classification (germline): Pathogenic (1 of 4 stars; one submission).

Conditions:
Neurofibromatosis, type 2 (SWNV). Also called: BILATERAL ACOUSTIC NEUROFIBROMATOSIS; SCHWANNOMATOSIS, VESTIBULAR; NF2-Related Schwannomatosis. Identifiers: Orphanet 637, MedGen C0027832, MONDO:0007039, OMIM 101000. Disease mechanism: loss of function.

Submission:

Labcorp Genetics (formerly Invitae), Labcorp
Classification: Pathogenic for Neurofibromatosis, type 2. Last evaluated: 2019-04-07. Review status: criteria provided, single submitter. Criteria: Invitae Variant Classification Sherloc (09022015). Collection method: clinical testing. Allele origin: germline.
Comment: This variant is a gross deletion of the genomic region encompassing exons 1-2 of the NF2 gene, which includes the initiator codon. The 5' end of this event is unknown as it extends beyond the assayed region for this gene and therefore may encompass additional genes. The 3' boundary is likely confined to intron 2 of the NF2 gene. This is expected to result in an absent or disrupted protein product. A similar variant has been observed in an individual with NF2-related disease (PMID: 19968670). Loss-of-function variants in NF2 are known to be pathogenic (PMID: 9643284, 16983642). For these reasons, this variant has been classified as Pathogenic.

Literature cited by the submitters: PubMed 19968670.

NC_000022.11:g.(?_29603989)_(29636886_?)del

Gene: NF2 (NF2, moesin-ezrin-radixin like (MERLIN) tumor suppressor; plus strand). Cytogenetic location: 22q12.2.
Variant type: Deletion.
Identifiers: ClinVar variation 833432 (VCV000833432.1).